The following is an entry in ClinVar:

ClinVar aggregate classification (germline): Uncertain significance. Review status: criteria provided, multiple submitters, no conflicts (2 of 4 stars). 2 submissions from 2 submitters: Uncertain significance (2). Last evaluated 2025-04-10.

Conditions:
Myofibrillar myopathy 4. Also called: Zaspopathy (type). Identifiers: Orphanet 98912, MedGen C4721886, MONDO:0012277, OMIM 609452.
Cardiovascular phenotype. Identifiers: MedGen CN230736.

Submissions (2):

Labcorp Genetics (formerly Invitae), Labcorp
Classification: Uncertain significance for Myofibrillar myopathy 4. Last evaluated: 2025-04-10. Review status: criteria provided, single submitter. Criteria: Invitae Variant Classification Sherloc (09022015). Collection method: clinical testing. Allele origin: germline.
Comment: The LDB3 gene has multiple clinically relevant transcripts. This variant occurs in alternate transcript NM_007078.3, and corresponds to NM_001080116.1:c.*7305_*7310dup in the primary transcript. This variant, c.1045_1050dup, results in the insertion of 2 amino acid(s) of the LDB3 protein (p.Ser349_Thr350dup), but otherwise preserves the integrity of the reading frame. This variant is not present in population databases (gnomAD no frequency). This variant has not been reported in the literature in individuals affected with LDB3-related conditions. Experimental studies and prediction algorithms are not available or were not evaluated, and the functional significance of this variant is currently unknown. In summary, the available evidence is currently insufficient to determine the role of this variant in disease. Therefore, it has been classified as a Variant of Uncertain Significance.

Ambry Genetics
Classification: Uncertain significance for Cardiovascular phenotype. Last evaluated: 2023-03-27. Review status: criteria provided, single submitter. Criteria: Ambry Variant Classification Scheme 2023. Collection method: clinical testing. Allele origin: germline.
Comment: The c.1045_1050dupTCCACC variant (also known as p.S349_T350dup), located in coding exon 7 of the LDB3 gene, results from an in-frame duplication of TCCACC at nucleotide positions 1045 to 1050. This results in the duplication of 2 extra residues (ST) between codons 349 and 350. These amino acid positions range from poorly to well conserved in available vertebrate species. In addition, the in silico prediction for this alteration is inconclusive (Choi Y et al. PLoS ONE. 2012; 7(10):e46688). Since supporting evidence is limited at this time, the clinical significance of this alteration remains unclear.

NM_007078.3(LDB3):c.1045_1050dup (p.Ser349_Thr350dup)

Gene: LDB3 (LIM domain binding 3; plus strand). Cytogenetic location: 10q23.2.
Variant type: Duplication.
Coding change: c.1045_1050dup on transcript NM_007078.3 (MANE Select); coding-DNA positions 1045 to 1050, 6 bases duplicated (TCCACC; older notation c.1045_1050dupTCCACC).
Protein change: p.Ser349_Thr350dup.
Molecular consequence: inframe insertion. On other transcripts: intron variant (4).
Genome position (GRCh38, 1-based): chr10:86,706,679-86,706,684, TCCACC duplicated; duplicating any 6 consecutive bases within chr10:86,706,677-86,706,684 gives the same sequence; the c. name uses the placement nearest the transcript's 3' end. VCF-style (leftmost placement, unchanged base first): chr10-86706676-G-GCCTCCA. GRCh37 (hg19) VCF-style: chr10-88466433-G-GCCTCCA.
Other names: c.904_909dup, p.Ser302_Thr303dup (NM_001368066.1); c.897-3226_897-3221dup (NM_001368064.1, NM_001368065.1); c.1101-3226_1101-3221dup (NM_001171610.2); c.756-3226_756-3221dup (NM_001080114.2); c.1045_1050dupTCCACC (NM_007078.2).
Identifiers: ClinVar variation 1404440 (VCV001404440.8), dbSNP rs1276121533, ClinGen allele CA669467550.